The following is an entry in ClinVar:

NM_005094.4(SLC27A4):c.1463-2A>C

Gene: SLC27A4 (solute carrier family 27 member 4; plus strand). Cytogenetic location: 9q34.11.
Variant type: single nucleotide variant.
Coding change: c.1463-2A>C on transcript NM_005094.4 (MANE Select); the canonical splice acceptor site of the intron before coding-DNA position 1463, A replaced by C.
Molecular consequence: splice acceptor variant.
Genome position (GRCh38, 1-based): chr9:128,355,396, A>C. VCF-style: chr9-128355396-A-C. GRCh37 (hg19) VCF-style: chr9-131117675-A-C.
Identifiers: ClinVar variation 1878368 (VCV001878368.1), dbSNP rs1832802732, ClinGen allele CA375036417.

ClinVar aggregate classification (germline): Likely pathogenic (1 of 4 stars; one submission).

Conditions:
Lamellar ichthyosis. Identifiers: Orphanet 313, MedGen C5848247, MONDO:0017778.

Allele frequency attached by ClinVar (database versions not stated): gnomAD exomes below 0.00001; TOPMed below 0.00001.
gnomAD v4.1: 2 of 1,612,798 alleles (0.00012%); highest among the groups gnomAD compares: Admixed American, 0.0033%; no homozygotes.

Submission:

Women's Health and Genetics/Laboratory Corporation of America, LabCorp
Classification: Likely pathogenic for Lamellar ichthyosis. Last evaluated: 2022-12-22. Review status: criteria provided, single submitter. Criteria: LabCorp Variant Classification Summary - May 2015. Collection method: clinical testing. Allele origin: germline.
Comment: Variant summary: SLC27A4 c.1463-2A>C is located in a canonical splice-site and is predicted to affect mRNA splicing resulting in a significantly altered protein due to either exon skipping, shortening, or inclusion of intronic material. Several computational tools predict a significant impact on normal splicing: Four predict the variant abolishes a 3' acceptor site. However, these predictions have yet to be confirmed by functional studies. The variant was absent in 250198 control chromosomes. To our knowledge, no occurrence of c.1463-2A>C in individuals affected with Lamellar Ichthyosis and no experimental evidence demonstrating its impact on protein function have been reported. No clinical diagnostic laboratories have submitted clinical-significance assessments for this variant to ClinVar after 2014. Based on the evidence outlined above, the variant was classified as likely pathogenic.